The following is an entry in ClinVar:

ClinVar aggregate classification (germline): Pathogenic/Likely pathogenic. Review status: criteria provided, multiple submitters, no conflicts (2 of 4 stars). 4 submissions from 4 submitters: Pathogenic (1); Likely pathogenic (3). Last evaluated 2026-02-02.

Conditions:
PROC-related disorder. Also called: PROC-related condition.
Reduced protein C activity. Identifiers: MedGen C0398625, MeSH D020151, HP:0005543.
Thrombophilia due to protein C deficiency, autosomal dominant. Also called: PROC DEFICIENCY, AUTOSOMAL DOMINANT; PROTEIN C DEFICIENCY, AUTOSOMAL DOMINANT. Identifiers: Orphanet 745, MedGen C2674321, MONDO:0008316, OMIM 176860. Disease mechanism: loss of function.

Allele frequency attached by ClinVar (database versions not stated): gnomAD exomes below 0.00001; TOPMed 0.00001.

Submissions (4):

Labcorp Genetics (formerly Invitae), Labcorp
Classification: Pathogenic for Thrombophilia due to protein C deficiency, autosomal dominant. Last evaluated: 2026-02-02. Review status: criteria provided, single submitter. Criteria: Invitae Variant Classification Sherloc (09022015). Collection method: clinical testing. Allele origin: germline.
Comment: This sequence change replaces arginine, which is basic and polar, with cysteine, which is neutral and slightly polar, at codon 328 of the PROC protein (p.Arg328Cys). This variant is not present in population databases (gnomAD no frequency). This missense change has been observed in individuals with protein C deficiency and/or reduced protein C activity and antigen levels (PMID: 7792728, 8499565). It has also been observed to segregate with disease in related individuals. This variant is also known as p.Arg286Cys. ClinVar contains an entry for this variant (Variation ID: 627166). An algorithm developed to predict the effect of missense changes on protein structure and function (PolyPhen-2) suggests that this variant is likely to be disruptive. For these reasons, this variant has been classified as Pathogenic.

Victorian Clinical Genetics Services, Murdoch Childrens Research Institute
Classification: Likely pathogenic for Thrombophilia due to protein C deficiency, autosomal dominant. Last evaluated: 2022-03-31. Review status: criteria provided, single submitter. Criteria: ACMG Guidelines, 2015. Collection method: clinical testing. Allele origin: germline. Inheritance: Autosomal dominant inheritance. Affected: no.
Comment: Based on the classification scheme VCGS_Germline_v1.3.4, this variant is classified as Likely pathogenic. Following criteria are met: 0102 - Loss of function is a known mechanism of disease in this gene and is associated with autosomal dominant thrombophilia due to protein C deficiency (MIM#176860) and autosomal recessive thrombophilia due to protein C deficiency (MIM#612304). (I) 0108 - This gene is associated with both recessive and dominant disease. Autosomal recessive inheritance is extremely rare and cause life-threatening disorders, whereas autosomal dominant inheritance is more common and leads to increased risk for venous thromboembolism and recurrent thrombosis (PMID: 31821907). (I) 0200 - Variant is predicted to result in a missense amino acid change from arginine to cysteine. (I) 0251 - This variant is heterozygous. (I) 0304 - Variant is present in gnomAD (v2) <0.01 (1 heterozygote, 0 homozygotes). (SP) 0502 - Missense variant with conflicting in silico predictions and uninformative conservation. (I) 0600 - Variant is located in the annotated trypsin domain (DECIPHER). (I) 0703 - Another missense variant comparable to the one identified in this case has moderate previous evidence for pathogenicity. The p.(Arg328His) variant has been reported in a heterozygous state and homozygous state in two unrelated symptomatic individuals (PMIDs: 7878626, 21621249). It has also been reported as likely pathogenic once in ClinVar. (SP) 0803 - This variant has limited previous evidence of pathogenicity in unrelated individuals. It has been reported in two unrelated individuals with thrombotic disease (PMIDs: 8499565, 31064749). (SP) 1001 - This variant has strong functional evidence supporting abnormal protein function. Reduced protein C antigen level has been shown in a heterozygous individual (PMID: 8499565). (I) Legend: (SP) - Supporting pathogenic, (I) - Information, (SB) - Supporting benign

Blueprint Genetics
Classification: Likely pathogenic for PROC-related disorders. Last evaluated: 2021-11-22. Review status: criteria provided, single submitter. Criteria: ACMG Guidelines, 2015. Collection method: clinical testing. Allele origin: germline. Affected: yes. Observed: 2 variant alleles.

NIHR Bioresource Rare Diseases, University of Cambridge
Classification: Likely pathogenic for Reduced protein C activity. Last evaluated: 2019-02-01. Review status: criteria provided, single submitter. Criteria: ACMG Guidelines, 2015. Collection method: research. Allele origin: unknown. Affected: yes. Observed: 1 heterozygote. Study: ThromboGenomics.

Literature cited by the submitters: PubMed 7792728 (cited by Labcorp Genetics (formerly Invitae), Labcorp); PubMed 8499565 (cited by Labcorp Genetics (formerly Invitae), Labcorp and Victorian Clinical Genetics Services, Murdoch Childrens Research Institute); PubMed 7878626 (cited by Victorian Clinical Genetics Services, Murdoch Childrens Research Institute); PubMed 21621249 (cited by Victorian Clinical Genetics Services, Murdoch Childrens Research Institute); PubMed 31064749 (cited by Victorian Clinical Genetics Services, Murdoch Childrens Research Institute and NIHR Bioresource Rare Diseases, University of Cambridge); PubMed 31821907 (cited by Victorian Clinical Genetics Services, Murdoch Childrens Research Institute).

NM_000312.4(PROC):c.982C>T (p.Arg328Cys)

Gene: PROC (protein C, inactivator of coagulation factors Va and VIIIa; plus strand). Cytogenetic location: 2q14.3.
Variant type: single nucleotide variant.
Coding change: c.982C>T on transcript NM_000312.4 (MANE Select); coding-DNA position 982, C replaced by T.
Protein change: p.Arg328Cys; replaces arginine 328 with cysteine.
Molecular consequence: missense variant.
Genome position (GRCh38, 1-based): chr2:127,428,542, C>T. VCF-style: chr2-127428542-C-T. GRCh37 (hg19) VCF-style: chr2-128186118-C-T.
Other names: c.1165C>T, p.Arg389Cys (NM_001375602.1); c.1147C>T, p.Arg383Cys (NM_001375603.1); c.1045C>T, p.Arg349Cys (NM_001375604.1); c.1084C>T, p.Arg362Cys (NM_001375605.1); c.1150C>T, p.Arg384Cys (NM_001375606.1); c.1168C>T, p.Arg390Cys (NM_001375607.1); c.925C>T, p.Arg309Cys (NM_001375608.1); c.958C>T, p.Arg320Cys (NM_001375609.1); and 2 more; short protein forms R328C, R309C, R320C, R326C, R349C, R362C, R383C, R384C.
Identifiers: ClinVar variation 627166 (VCV000627166.9), dbSNP rs201907715, ClinGen allele CA55350874.
Genomic context (GRCh38, chr2:127,428,542, plus strand): 5'-CCCGCCACCCTCTCGCAGACCATAGTGCCCATCTGCCTCCCGGACAGCGGCCTTGCAGAG[C>T]GCGAGCTCAATCAGGCCGGCCAGGAGACCCTCGTGACGGGCTGGGGCTACCACAGCAGCC-3'
Protein context (NP_000303.1, residues 318-338): ICLPDSGLAE[Arg328Cys]ELNQAGQETL